The following is an entry in ClinVar:

ClinVar aggregate classification (germline): Likely benign. Review status: criteria provided, multiple submitters, no conflicts (2 of 4 stars). 2 submissions from 2 submitters: Likely benign (2). Last evaluated 2025-06-06.

Conditions:
Breast-ovarian cancer, familial, susceptibility to, 3. Also called: RAD51C-Related Breast/Ovarian Cancer. Identifiers: Orphanet 145, MedGen C3150659, MONDO:0013253, OMIM 613399.
Fanconi anemia complementation group O. Also called: RAD51C-Related Fanconi Anemia. Identifiers: Orphanet 84, MedGen C3150653, MONDO:0013248, OMIM 613390.

Submissions (2):

Labcorp Genetics (formerly Invitae), Labcorp
Classification: Likely benign for Fanconi anemia complementation group O. Last evaluated: 2025-06-06. Review status: criteria provided, single submitter. Criteria: Invitae Variant Classification Sherloc (09022015). Collection method: clinical testing. Allele origin: germline.

Myriad Genetics, Inc.
Classification: Likely benign for Breast-ovarian cancer, familial, susceptibility to, 3. Last evaluated: 2025-02-19. Review status: criteria provided, single submitter. Criteria: Myriad Autosomal Dominant, Autosomal Recessive and X-Linked Classification Criteria (2023). Collection method: clinical testing. Allele origin: unknown.
Comment: This variant is considered likely benign. This variant is intronic and is not expected to impact mRNA splicing.

NM_058216.3(RAD51C):c.965+8C>T

Gene: RAD51C (RAD51 paralog C; plus strand). Cytogenetic location: 17q22.
Variant type: single nucleotide variant.
Coding change: c.965+8C>T on transcript NM_058216.3 (MANE Select); 8 bases into the intron after coding-DNA position 965, C replaced by T.
Molecular consequence: intron variant.
Genome position (GRCh38, 1-based): chr17:58,724,108, C>T. VCF-style: chr17-58724108-C-T. GRCh37 (hg19) VCF-style: chr17-56801469-C-T.
Identifiers: ClinVar variation 2006376 (VCV002006376.5), dbSNP rs1598511379, ClinGen allele CA2580094308.